The following is an entry in ClinVar:

NM_032119.4(ADGRV1):c.12895C>T (p.Arg4299Ter)

Gene: ADGRV1 (adhesion G protein-coupled receptor V1; plus strand). Cytogenetic location: 5q14.3.
Variant type: single nucleotide variant.
Coding change: c.12895C>T on transcript NM_032119.4 (MANE Select); coding-DNA position 12895, C replaced by T.
Protein change: p.Arg4299Ter; replaces arginine 4299 with a stop codon.
Molecular consequence: nonsense. On other transcripts: non-coding transcript variant (1).
Genome position (GRCh38, 1-based): chr5:90,778,910, C>T. VCF-style: chr5-90778910-C-T. GRCh37 (hg19) VCF-style: chr5-90074727-C-T.
Other names: c.12895C>T (NM_032119.3); short protein forms R4299*.
Identifiers: ClinVar variation 872345 (VCV000872345.47), dbSNP rs756954694, ClinGen allele CA3341374.

ClinVar aggregate classification (germline): Pathogenic. Review status: criteria provided, multiple submitters, no conflicts (2 of 4 stars). 3 submissions from 3 submitters: Pathogenic (3). Last evaluated 2025-08-22.

Conditions:
ADGRV1-related disorder. Also called: ADGRV1-related condition; ADGRV1-related disorders.

Allele frequency attached by ClinVar (database versions not stated): ExAC 0.00001; gnomAD exomes 0.00001; TOPMed 0.00001.
gnomAD v4.1: 5 of 1,613,086 alleles (0.00031%); highest among the groups gnomAD compares: South Asian, 0.0011%; no homozygotes.

Submissions (3):

PreventionGenetics, part of Exact Sciences
Classification: Pathogenic for ADGRV1-related condition. Last evaluated: 2025-08-22. Review status: criteria provided, single submitter. Criteria: ACMG Guidelines, 2015. Collection method: clinical testing. Allele origin: germline.
Comment: The ADGRV1 c.12895C>T variant is predicted to result in premature protein termination (p.Arg4299*). This variant has been reported in the heterozygous state a patient with Usher syndrome; however, no second variant of interest was documented in this individual (Neuhaus et al. 2017. PubMed ID: 28944237). This variant is reported in 0.0033% of alleles in individuals of South Asian descent in gnomAD. Nonsense variants in ADGRV1 are expected to be pathogenic. This variant is interpreted as pathogenic.

Labcorp Genetics (formerly Invitae), Labcorp
Classification: Pathogenic. Last evaluated: 2024-02-24. Review status: criteria provided, single submitter. Criteria: Invitae Variant Classification Sherloc (09022015). Collection method: clinical testing. Allele origin: germline.
Comment: This sequence change creates a premature translational stop signal (p.Arg4299*) in the ADGRV1 gene. It is expected to result in an absent or disrupted protein product. Loss-of-function variants in ADGRV1 are known to be pathogenic (PMID: 19357117, 22135276, 22147658, 26226137, 30718709, 31047384, 32467589). This variant is present in population databases (rs756954694, gnomAD 0.003%). This premature translational stop signal has been observed in individual(s) with clinical features of Usher syndrome (PMID: 28944237). ClinVar contains an entry for this variant (Variation ID: 872345). Algorithms developed to predict the effect of sequence changes on RNA splicing suggest that this variant may disrupt the consensus splice site. For these reasons, this variant has been classified as Pathogenic.

CeGaT Center for Human Genetics Tuebingen
Classification: Pathogenic. Last evaluated: 2019-10-01. Review status: criteria provided, single submitter. Criteria: CeGaT Center For Human Genetics Tuebingen Variant Classification Criteria Version 2. Collection method: clinical testing. Allele origin: germline. Affected: yes. Observed: 1 variant allele.

Literature cited by the submitters: PubMed 19357117 (cited by Labcorp Genetics (formerly Invitae), Labcorp); PubMed 22135276 (cited by Labcorp Genetics (formerly Invitae), Labcorp); PubMed 22147658 (cited by Labcorp Genetics (formerly Invitae), Labcorp); PubMed 26226137 (cited by Labcorp Genetics (formerly Invitae), Labcorp); PubMed 30718709 (cited by Labcorp Genetics (formerly Invitae), Labcorp); PubMed 31047384 (cited by Labcorp Genetics (formerly Invitae), Labcorp); PubMed 32467589 (cited by Labcorp Genetics (formerly Invitae), Labcorp); PubMed 28944237 (cited by Labcorp Genetics (formerly Invitae), Labcorp).